The following is an entry in ClinVar:

NM_001283009.2(RTEL1):c.2652+5G>A

Genes: RTEL1-TNFRSF6B (RTEL1-TNFRSF6B readthrough (NMD candidate); plus strand), RTEL1 (regulator of telomere elongation helicase 1; plus strand). Cytogenetic location: 20q13.33.
Variant type: single nucleotide variant.
Coding change: c.2652+5G>A on transcript NM_001283009.2 (MANE Select); 5 bases into the intron after coding-DNA position 2652, G replaced by A.
Molecular consequence: intron variant.
Genome position (GRCh38, 1-based): chr20:63,691,842, G>A. VCF-style: chr20-63691842-G-A. GRCh37 (hg19) VCF-style: chr20-62323195-G-A.
Other names: c.2652+5G>A (NM_016434.4); c.1983+5G>A (NM_001283010.1); c.2724+5G>A (NM_032957.5).
Identifiers: ClinVar variation 558683 (VCV000558683.10), dbSNP rs1555812507, ClinGen allele CA658824161.

ClinVar aggregate classification (germline): Uncertain significance. Review status: criteria provided, multiple submitters, no conflicts (2 of 4 stars). 4 submissions from 4 submitters: Uncertain significance (2). 2 of the submissions do not count toward it. Last evaluated 2023-07-24.

Conditions:
Dyskeratosis congenita. Identifiers: Orphanet 1775, MedGen C0265965, MONDO:0015780.
Dyskeratosis congenita, autosomal recessive 5 (DKCB5). Identifiers: MedGen C3554656, MONDO:0014076, OMIM 615190.
Pulmonary fibrosis and/or bone marrow failure, Telomere-related, 3. Also called: PULMONARY FIBROSIS AND/OR BONE MARROW FAILURE SYNDROME, TELOMERE-RELATED, 3. Identifiers: Orphanet 2032, MedGen C4225346, MONDO:0014613, OMIM 616373.

Allele frequency attached by ClinVar (database versions not stated): gnomAD exomes below 0.00001.
gnomAD v4.1: 2 of 1,607,426 alleles (0.00012%); highest among the groups gnomAD compares: Non-Finnish European, 0.00017%; no homozygotes.

Submissions (4):

Women's Health and Genetics/Laboratory Corporation of America, LabCorp
Classification: Uncertain significance. Last evaluated: 2023-07-24. Review status: criteria provided, single submitter. Criteria: LabCorp Variant Classification Summary - May 2015. Collection method: clinical testing. Allele origin: germline.
Comment: Variant summary: RTEL1 c.2724+5G>A alters a non-conserved nucleotide located close to a canonical splice site and therefore could affect mRNA splicing, leading to a significantly altered protein sequence. Several computational tools predict a significant impact on normal splicing: Two predict the variant abolishes a canonical 5' splicing donor site and two predict the variant weakens the 5' donor site. A publication reports experimental evidence that this variant indeed affects mRNA splicing, affecting the 5' donor site and resulting in the inclusion of intron 28 which leads to a frameshift and premature termination codon; however, the affected transcript was found to have similar expression to the WT, suggesting only a portion of transcripts are impacted (Speckmann_2017). The variant was absent in 244174 control chromosomes (gnomAD). The available data on variant occurrences in the general population are insufficient to allow any conclusion about variant significance. c.2724+5G>A has been reported in the literature as a compound heterozygous genotype in an individual affected with Dyskeratosis Congenita (Hoyeraal Hreidarsson Syndrome) (Speckmann_2017). This report does not provide unequivocal conclusions about association of the variant with Dyskeratosis Congenita (Hoyeraal Hreidarsson Syndrome). The following publication has been ascertained in the context of this evaluation (PMID: 28507545). Three submitters have cited clinical-significance assessments for this variant to ClinVar after 2014 and all classified the variant as uncertain significance. Based on the evidence outlined above, the variant was classified as uncertain significance.

Labcorp Genetics (formerly Invitae), Labcorp
Classification: Uncertain significance for Dyskeratosis congenita, autosomal recessive 5; Pulmonary fibrosis and/or bone marrow failure, Telomere-related, 3. Last evaluated: 2022-09-05. Review status: criteria provided, single submitter. Criteria: Invitae Variant Classification Sherloc (09022015). Collection method: clinical testing. Allele origin: germline.
Comment: This sequence change falls in intron 28 of the RTEL1 gene. It does not directly change the encoded amino acid sequence of the RTEL1 protein. RNA analysis indicates that this variant induces altered splicing and may result in an absent or disrupted protein product. This variant is not present in population databases (gnomAD no frequency). This variant has been observed in individual(s) with dyskeratosis congenita (PMID: 28507545). ClinVar contains an entry for this variant (Variation ID: 558683). Variants that disrupt the consensus splice site are a relatively common cause of aberrant splicing (PMID: 17576681, 9536098). Studies have shown that this variant results in transcription prolongation of exon 28 adding 159 bp and introduces a premature termination codon (PMID: 28507545). The resulting mRNA is expected to undergo nonsense-mediated decay. In summary, the available evidence is currently insufficient to determine the role of this variant in disease. Therefore, it has been classified as a Variant of Uncertain Significance.

Natera, Inc.
Classification: Uncertain significance for Dyskeratosis congenita. Last evaluated: 2021-09-14. Review status: no assertion criteria provided. Collection method: clinical testing. Allele origin: germline. Not counted in ClinVar's aggregate classification.

Counsyl
Classification: Uncertain significance for Dyskeratosis congenita, autosomal recessive 5. Last evaluated: 2018-06-05. Review status: no assertion criteria provided. Collection method: clinical testing. Allele origin: unknown. Not counted in ClinVar's aggregate classification.

Literature cited by the submitters: PubMed 28507545 (cited by 3 submitters); PubMed 17576681 (cited by Labcorp Genetics (formerly Invitae), Labcorp); PubMed 9536098 (cited by Labcorp Genetics (formerly Invitae), Labcorp).